The following is an entry in ClinVar:

ClinVar aggregate classification (germline): Uncertain significance (1 of 4 stars; one submission).

Conditions:
Fanconi anemia (FA). Also called: Fanconi's anemia. Identifiers: Orphanet 84, MedGen C0015625, MeSH D005199, MONDO:0019391.

Submission:

Labcorp Genetics (formerly Invitae), Labcorp
Classification: Uncertain significance for Fanconi anemia. Last evaluated: 2025-06-27. Review status: criteria provided, single submitter. Criteria: Invitae Variant Classification Sherloc (09022015). Collection method: clinical testing. Allele origin: germline.
Comment: This sequence change replaces lysine, which is basic and polar, with asparagine, which is neutral and polar, at codon 1288 of the FANCI protein (p.Lys1288Asn). This variant is not present in population databases (gnomAD no frequency). This variant has not been reported in the literature in individuals affected with FANCI-related conditions. Invitae Evidence Modeling of protein sequence and biophysical properties (such as structural, functional, and spatial information, amino acid conservation, physicochemical variation, residue mobility, and thermodynamic stability) indicates that this missense variant is expected to disrupt FANCI protein function with a positive predictive value of 80%. In summary, the available evidence is currently insufficient to determine the role of this variant in disease. Therefore, it has been classified as a Variant of Uncertain Significance.

NM_001113378.2(FANCI):c.3864G>T (p.Lys1288Asn)

Gene: FANCI (FA complementation group I; plus strand). Cytogenetic location: 15q26.1.
Variant type: single nucleotide variant.
Coding change: c.3864G>T on transcript NM_001113378.2 (MANE Select); coding-DNA position 3864, G replaced by T.
Protein change: p.Lys1288Asn; replaces lysine 1288 with asparagine.
Molecular consequence: missense variant.
Genome position (GRCh38, 1-based): chr15:89,315,329, G>T. VCF-style: chr15-89315329-G-T. GRCh37 (hg19) VCF-style: chr15-89858560-G-T.
Other names: c.3585G>T, p.Lys1195Asn (NM_001376910.1); c.3864G>T, p.Lys1288Asn (NM_001376911.1); c.3684G>T, p.Lys1228Asn (NM_018193.3); short protein forms K1228N, K1288N, K1195N.
Identifiers: ClinVar variation 4766910 (VCV004766910.1).
Genomic context (GRCh38, chr15:89,315,329, plus strand): 5'-AATCTTGTCATAGGTGAACCTGATGCAGCACATGAAGCTCAGCACCTCACGAGACTTCAA[G>T]ATCAAAGGAAACATCCTAGACATGGTTCTTCGAGAGGATGGTGAAGATGAAAATGAAGAG-3'
Protein context (NP_001106849.1, residues 1278-1298): HMKLSTSRDF[Lys1288Asn]IKGNILDMVL